The following is an entry in ClinVar:

ClinVar aggregate classification (germline): Likely benign (1 of 4 stars; one submission).

Submission:

Dasa
Classification: Likely benign. Last evaluated: 2026-01-27. Review status: criteria provided, single submitter. Criteria: DASA Assertion Criteria. Collection method: clinical testing. Allele origin: germline.
Comment: NM_007373.4(SHOC2):c.1541-21dup is an intronic variant. The variant context is inconsistent with a known disease-causing mechanism. Computational prediction algorithms are consistent with a benign effect. Therefore, based on the currently available evidence, this variant is classified as likely benign.

NM_007373.4(SHOC2):c.1541-21dup

Gene: SHOC2 (SHOC2 leucine rich repeat scaffold protein; plus strand). Cytogenetic location: 10q25.2.
Variant type: Duplication.
Coding change: c.1541-21dup on transcript NM_007373.4 (MANE Select); 21 bases into the intron before coding-DNA position 1541, one base duplicated (A; older notation c.1541-21dupA).
Molecular consequence: intron variant.
Genome position (GRCh38, 1-based): chr10:111,011,589, A duplicated; the last of 9 consecutive A bases (chr10:111,011,581-111,011,589); duplicating any one gives the same sequence. VCF-style (leftmost placement, unchanged base first): chr10-111011580-T-TA. GRCh37 (hg19) VCF-style: chr10-112771338-T-TA.
Other names: c.1541-21dup (NM_001324336.2, NM_001441185.1, NM_001441184.1 and 1 more transcripts); c.1403-21dup (NM_001441186.1, NM_001269039.3); c.872-21dup (NM_001441188.1); c.1423-21dup (NM_001441187.1); c.458-21dup (NM_001441190.1, NM_001441191.1, NM_001441189.1).
Identifiers: ClinVar variation 4852732 (VCV004852732.2).
Genomic context (GRCh38, chr10:111,011,580, plus strand): 5'-ATATGTAATGACCAGAACAGCATCATGCCCAGTTGAACTTTTAAAATAGCAACTAATTTT[T>TA]AAAAAAAAATTGATTTTTTTTTTAAACAGGTACACTGGAGAACCTAGAAGAACTGTATTT-3'